The following is an entry in ClinVar:

ClinVar aggregate classification (germline): Uncertain significance (1 of 4 stars; one submission).

Conditions:
Progressive familial heart block type IB (PFHB1B). Identifiers: Orphanet 871, MedGen C1970298, MONDO:0011474, OMIM 604559.

Submission:

Labcorp Genetics (formerly Invitae), Labcorp
Classification: Uncertain significance for Progressive familial heart block type IB. Last evaluated: 2024-04-25. Review status: criteria provided, single submitter. Criteria: Invitae Variant Classification Sherloc (09022015). Collection method: clinical testing. Allele origin: germline.
Comment: This sequence change replaces arginine, which is basic and polar, with proline, which is neutral and non-polar, at codon 442 of the TRPM4 protein (p.Arg442Pro). This variant is not present in population databases (gnomAD no frequency). This variant has not been reported in the literature in individuals affected with TRPM4-related conditions. An algorithm developed to predict the effect of missense changes on protein structure and function (PolyPhen-2) suggests that this variant is likely to be disruptive. In summary, the available evidence is currently insufficient to determine the role of this variant in disease. Therefore, it has been classified as a Variant of Uncertain Significance.

NM_017636.4(TRPM4):c.1325G>C (p.Arg442Pro)

Gene: TRPM4 (transient receptor potential cation channel subfamily M member 4; plus strand). Cytogenetic location: 19q13.33.
Variant type: single nucleotide variant.
Coding change: c.1325G>C on transcript NM_017636.4 (MANE Select); coding-DNA position 1325, G replaced by C.
Protein change: p.Arg442Pro; replaces arginine 442 with proline.
Molecular consequence: missense variant. On other transcripts: 5 prime UTR variant (1).
Genome position (GRCh38, 1-based): chr19:49,182,639, G>C. VCF-style: chr19-49182639-G-C. GRCh37 (hg19) VCF-style: chr19-49685896-G-C.
Other names: c.1325G>C, p.Arg442Pro (NM_001195227.2); c.980G>C, p.Arg327Pro (NM_001321281.2); c.-229G>C (NM_001321282.2); c.803G>C, p.Arg268Pro (NM_001321283.2); c.263G>C, p.Arg88Pro (NM_001321285.2); short protein forms R268P, R327P, R88P, R442P.
Identifiers: ClinVar variation 3691801 (VCV003691801.2).
Genomic context (GRCh38, chr19:49,182,639, plus strand): 5'-CCTTCCATCTCGAAGCTTCCCTCATGGACGCCCTGCTGAATGACCGGCCTGAGTTCGTGC[G>C]CTTGCTCATTTCCCACGGCCTCAGCCTGGGCCACTTCCTGACCCCGATGCGCCTGGCCCA-3'
Protein context (NP_060106.2, residues 432-452): ALLNDRPEFV[Arg442Pro]LLISHGLSLG